The following is an entry in ClinVar:

NM_001386795.1(DTNA):c.1807C>G (p.Pro603Ala)

Gene: DTNA (dystrobrevin alpha; plus strand). Cytogenetic location: 18q12.1.
Variant type: single nucleotide variant.
Coding change: c.1807C>G on transcript NM_001386795.1 (MANE Select); coding-DNA position 1807, C replaced by G.
Protein change: p.Pro603Ala; replaces proline 603 with alanine.
Molecular consequence: missense variant.
Genome position (GRCh38, 1-based): chr18:34,875,302, C>G. VCF-style: chr18-34875302-C-G. GRCh37 (hg19) VCF-style: chr18-32455266-C-G.
Other names: c.1546C>G, p.Pro516Ala (NM_001198938.2, NM_001198940.2, NM_001386753.1 and 5 more transcripts); c.1567C>G, p.Pro523Ala (NM_001198939.2); c.853C>G, p.Pro285Ala (NM_001198942.1); c.796C>G, p.Pro266Ala (NM_001198943.1); c.682C>G, p.Pro228Ala (NM_001198944.1); c.1636C>G, p.Pro546Ala (NM_001386754.1, NM_001386755.1, NM_001386756.1 and 3 more transcripts); c.1633C>G, p.Pro545Ala (NM_001386760.1); c.1555C>G, p.Pro519Ala (NM_001386761.1, NM_032975.4); and 5 more; short protein forms P545A, P603A, P516A, P576A, P224A, P266A, P515A, P523A.
Identifiers: ClinVar variation 4780393 (VCV004780393.2).

ClinVar aggregate classification (germline): Uncertain significance. Review status: criteria provided, multiple submitters, no conflicts (2 of 4 stars). 2 submissions from 2 submitters: Uncertain significance (2). Last evaluated 2025-12-13.

Conditions:
Left ventricular noncompaction 1 (LVNC1). Also called: LEFT VENTRICULAR NONCOMPACTION 1 WITH OR WITHOUT CONGENITAL HEART DEFECTS. Identifiers: Orphanet 54260, MedGen C1858725, MONDO:0011403, OMIM 604169.

gnomAD v4.1: 3 of 1,614,112 alleles (0.00019%); highest among the groups gnomAD compares: African/African-American, 0.0013%; no homozygotes.

Submissions (2):

Labcorp Genetics (formerly Invitae), Labcorp
Classification: Uncertain significance for Left ventricular noncompaction 1. Last evaluated: 2025-12-13. Review status: criteria provided, single submitter. Criteria: Invitae Variant Classification Sherloc (09022015). Collection method: clinical testing. Allele origin: germline.
Comment: This sequence change replaces proline, which is neutral and non-polar, with alanine, which is neutral and non-polar, at codon 576 of the DTNA protein (p.Pro576Ala). This variant is not present in population databases (gnomAD no frequency). This variant has not been reported in the literature in individuals affected with DTNA-related conditions. An algorithm developed to predict the effect of missense changes on protein structure and function (PolyPhen-2) suggests that this variant is likely to be disruptive. In summary, the available evidence is currently insufficient to determine the role of this variant in disease. Therefore, it has been classified as a Variant of Uncertain Significance.

Blueprint Genetics
Classification: Uncertain significance. Last evaluated: 2023-04-19. Review status: criteria provided, single submitter. Criteria: ACMG Guidelines, 2015. Collection method: clinical testing. Allele origin: germline.